The following is an entry in ClinVar:

ClinVar aggregate classification (germline): Conflicting classifications of pathogenicity. Review status: criteria provided, conflicting classifications (1 of 4 stars). 3 submissions from 3 submitters: Uncertain significance (1); Likely benign (1). 1 of the submissions does not count toward it. Last evaluated 2025-03-06.

Conditions:
TSR2-related disorder. Also called: TSR2-related condition.

Allele frequency attached by ClinVar (database versions not stated): TOPMed 0.00007; gnomAD exomes 0.00002 and 0.00008; gnomAD 0.00004.
gnomAD v4.1: 91 of 1,210,178 alleles (0.0075%); highest among the groups gnomAD compares: Non-Finnish European, 0.0093%; no homozygotes.

Submissions (3):

Labcorp Genetics (formerly Invitae), Labcorp
Classification: Likely benign. Last evaluated: 2025-03-06. Review status: criteria provided, single submitter. Criteria: Invitae Variant Classification Sherloc (09022015). Collection method: clinical testing. Allele origin: germline.

Eurofins Ntd Llc (ga)
Classification: Uncertain significance. Last evaluated: 2014-03-19. Review status: criteria provided, single submitter. Criteria: EGL Classification Definitions 2015. Collection method: clinical testing. Allele origin: germline. Observed: 2 variant alleles, 1 heterozygote, 1 hemizygote.

PreventionGenetics, part of Exact Sciences
Classification: Likely benign for TSR2-related condition. Last evaluated: 2023-07-15. Review status: no assertion criteria provided. Collection method: clinical testing. Allele origin: germline. Not counted in ClinVar's aggregate classification.
Comment: This variant is classified as likely benign based on ACMG/AMP sequence variant interpretation guidelines (Richards et al. 2015 PMID: 25741868, with internal and published modifications).

NM_004463.3(FGD1):c.2786C>T (p.Pro929Leu)

Genes: FGD1 (FYVE, RhoGEF and PH domain containing 1; minus strand), TSR2 (TSR2 ribosome maturation factor; plus strand). Cytogenetic location: Xp11.22.
Variant type: single nucleotide variant.
Coding change: c.2786C>T on transcript NM_004463.3 (MANE Select); coding-DNA position 2786, C replaced by T.
Protein change: p.Pro929Leu; replaces proline 929 with leucine.
Molecular consequence: missense variant. On other transcripts: 3 prime UTR variant (5).
Genome position (GRCh38, 1-based): chrX:54,446,209, G>A on the plus strand (C>T on the coding strand, the complement: FGD1 is on the minus strand). VCF-style: chrX-54446209-G-A. GRCh37 (hg19) VCF-style: chrX-54472642-G-A.
Other names: c.*1659G>A (NM_001346789.2, NM_001346790.2, NM_001346791.2 and 2 more transcripts); short protein forms P929L.
Identifiers: ClinVar variation 167061 (VCV000167061.11), dbSNP rs727503925, ClinGen allele CA233984.